The following is an entry in ClinVar:

NM_024675.4(PALB2):c.230G>C (p.Cys77Ser)

Gene: PALB2 (partner and localizer of BRCA2; minus strand). Cytogenetic location: 16p12.2.
Variant type: single nucleotide variant.
Coding change: c.230G>C on transcript NM_024675.4 (MANE Select); coding-DNA position 230, G replaced by C.
Protein change: p.Cys77Ser; replaces cysteine 77 with serine.
Molecular consequence: missense variant. On other transcripts: 5 prime UTR variant (8), intron variant (3).
Genome position (GRCh38, 1-based): chr16:23,636,316, C>G on the plus strand (G>C on the coding strand, the complement: PALB2 is on the minus strand). VCF-style: chr16-23636316-C-G. GRCh37 (hg19) VCF-style: chr16-23647637-C-G.
Other names: c.170G>C, p.Cys57Ser (NM_001407296.1); c.230G>C, p.Cys77Ser (NM_001407297.1, NM_001407298.1, NM_001407299.1 and 3 more transcripts); c.-656G>C (NM_001407304.1, NM_001407305.1, NM_001407306.1 and 5 more transcripts); c.48+4794G>C (NM_001407314.1); c.-105+4794G>C (NM_001407313.1, NM_001407312.1); short protein forms C57S, C77S.
Identifiers: ClinVar variation 3384263 (VCV003384263.1).
Genomic context (GRCh38, chr16:23,636,316, plus strand): 5'-GATGTCTTTTCTCCAGTTTCTTCATCAAGATGGGTTTTGATGTGTAACTTGTCATAAACA[C>G]ATATTTTATTTTTAGGTTCTGAGGAGGAAAAAAATGTATATAACTTATATTTTTCTTATA-3'
Protein context (NP_078951.2, residues 67-87): LKHSEPKNKI[Cys77Ser]VYDKLHIKTH

ClinVar aggregate classification (germline): Uncertain significance (1 of 4 stars; one submission).

Submission:

GeneDx
Classification: Uncertain significance. Last evaluated: 2024-06-05. Review status: criteria provided, single submitter. Criteria: GeneDx Variant Classification Process June 2021. Collection method: clinical testing. Allele origin: germline. Affected: yes.
Comment: Not observed at significant frequency in large population cohorts (gnomAD); In silico analysis indicates that this missense variant does not alter protein structure/function; Has not been previously published as pathogenic or benign to our knowledge; This variant is associated with the following publications: (PMID: 20871615, 19369211)